The following is an entry in ClinVar:

ClinVar aggregate classification (germline): Uncertain significance (1 of 4 stars; one submission).

Conditions:
Hereditary cancer-predisposing syndrome. Also called: Tumor predisposition; Hereditary neoplastic syndrome; Neoplastic Syndromes, Hereditary; Hereditary Cancer Syndrome. Identifiers: Orphanet 140162, MedGen C0027672, MeSH D009386, MONDO:0015356.

Submission:

Ambry Genetics
Classification: Uncertain significance for Hereditary cancer-predisposing syndrome. Last evaluated: 2018-05-10. Review status: criteria provided, single submitter. Criteria: Ambry Variant Classification Scheme 2023. Collection method: clinical testing. Allele origin: germline.
Comment: The p.W5R variant (also known as c.13T>C), located in coding exon 1 of the BAP1 gene, results from a T to C substitution at nucleotide position 13. The tryptophan at codon 5 is replaced by arginine, an amino acid with dissimilar properties. This amino acid position is highly conserved in available vertebrate species. In addition, this alteration is predicted to be deleterious by in silico analysis. Since supporting evidence is limited at this time, the clinical significance of this alteration remains unclear.

NM_004656.4(BAP1):c.13T>C (p.Trp5Arg)

Gene: BAP1 (BRCA1 associated deubiquitinase 1; minus strand). Cytogenetic location: 3p21.1.
Variant type: single nucleotide variant.
Coding change: c.13T>C on transcript NM_004656.4 (MANE Select); coding-DNA position 13, T replaced by C.
Protein change: p.Trp5Arg; replaces tryptophan 5 with arginine.
Molecular consequence: missense variant.
Genome position (GRCh38, 1-based): chr3:52,409,866, A>G on the plus strand (T>C on the coding strand, the complement: BAP1 is on the minus strand). VCF-style: chr3-52409866-A-G. GRCh37 (hg19) VCF-style: chr3-52443882-A-G.
Other names: short protein forms W5R.
Identifiers: ClinVar variation 819112 (VCV000819112.4), dbSNP rs1578231363, ClinGen allele CA353115141.